The following is an entry in ClinVar:

ClinVar aggregate classification (germline): Uncertain significance (1 of 4 stars; one submission).

Conditions:
Neuronal ceroid lipofuscinosis. Also called: Neuronal Ceroid Lipofuscinoses. Identifiers: Orphanet 216, Orphanet 79263, MedGen C0027877, MONDO:0016295. Disease mechanism: loss of function.

Allele frequency attached by ClinVar (database versions not stated): gnomAD exomes below 0.00001.

Submission:

Labcorp Genetics (formerly Invitae), Labcorp
Classification: Uncertain significance for Neuronal ceroid lipofuscinosis. Last evaluated: 2022-08-15. Review status: criteria provided, single submitter. Criteria: Invitae Variant Classification Sherloc (09022015). Collection method: clinical testing. Allele origin: germline.
Comment: This sequence change replaces glutamine, which is neutral and polar, with arginine, which is basic and polar, at codon 90 of the CTSD protein (p.Gln90Arg). This variant is not present in population databases (gnomAD no frequency). This variant has not been reported in the literature in individuals affected with CTSD-related conditions. Algorithms developed to predict the effect of missense changes on protein structure and function are either unavailable or do not agree on the potential impact of this missense change (SIFT: "Deleterious"; PolyPhen-2: "Possibly Damaging"; Align-GVGD: "Class C0"). In summary, the available evidence is currently insufficient to determine the role of this variant in disease. Therefore, it has been classified as a Variant of Uncertain Significance.

NM_001909.5(CTSD):c.269A>G (p.Gln90Arg)

Gene: CTSD (cathepsin D; minus strand). Cytogenetic location: 11p15.5.
Variant type: single nucleotide variant.
Coding change: c.269A>G on transcript NM_001909.5 (MANE Select); coding-DNA position 269, A replaced by G.
Protein change: p.Gln90Arg; replaces glutamine 90 with arginine.
Molecular consequence: missense variant.
Genome position (GRCh38, 1-based): chr11:1,759,599, T>C on the plus strand (A>G on the coding strand, the complement: CTSD is on the minus strand). VCF-style: chr11-1759599-T-C. GRCh37 (hg19) VCF-style: chr11-1780829-T-C.
Other names: short protein forms Q90R.
Identifiers: ClinVar variation 2102882 (VCV002102882.1), dbSNP rs2493827245, ClinGen allele CA379098449.